The following is an entry in ClinVar:

NM_001267550.2(TTN):c.85389C>T (p.Leu28463=)

Genes: TTN (titin; minus strand), TTN-AS1 (TTN antisense RNA 1; plus strand). Cytogenetic location: 2q31.2.
Variant type: single nucleotide variant.
Coding change: c.85389C>T on transcript NM_001267550.2 (MANE Select); coding-DNA position 85389, C replaced by T.
Protein change: p.Leu28463=; no amino-acid change (leucine 28463 retained).
Molecular consequence: synonymous variant.
Genome position (GRCh38, 1-based): chr2:178,560,743, G>A on the plus strand (C>T on the coding strand, the complement: TTN is on the minus strand). VCF-style: chr2-178560743-G-A. GRCh37 (hg19) VCF-style: chr2-179425470-G-A.
Other names: c.80466C>T, p.Leu26822= (NM_001256850.1); c.58194C>T, p.Leu19398= (NM_003319.4); c.77685C>T, p.Leu25895= (NM_133378.4); c.58569C>T, p.Leu19523= (NM_133432.3); c.58770C>T, p.Leu19590= (NM_133437.4).
Identifiers: ClinVar variation 512502 (VCV000512502.26), dbSNP rs144731702, ClinGen allele CA1988652.

ClinVar aggregate classification (germline): Conflicting classifications of pathogenicity. Review status: criteria provided, conflicting classifications (1 of 4 stars). 7 submissions from 7 submitters: Uncertain significance (2); Likely benign (5). Last evaluated 2026-08-01.

Conditions:
Cardiovascular phenotype. Identifiers: MedGen CN230736.
Autosomal recessive limb-girdle muscular dystrophy type 2J (LGMDR10). Also called: MUSCULAR DYSTROPHY, LIMB-GIRDLE, AUTOSOMAL RECESSIVE 10; Limb-girdle muscular dystrophy, type 2J. Identifiers: Orphanet 140922, MedGen C1837342, MONDO:0012127, OMIM 608807.
Dilated cardiomyopathy 1G (CMD1G). Identifiers: Orphanet 154, MedGen C1858763, MONDO:0011400, OMIM 604145.

Allele frequency attached by ClinVar (database versions not stated): TOPMed 0.00001; ExAC 0.00002; gnomAD exomes 0.00002 and 0.00003; gnomAD 0.00003; 1000 Genomes Project 30x 0.00016; 1000 Genomes Project 0.00020.
gnomAD v4.1: 55 of 1,613,732 alleles (0.0034%); highest among the groups gnomAD compares: Middle Eastern, 0.049%; no homozygotes.

Submissions (7):

CeGaT Center for Human Genetics Tuebingen
Classification: Likely benign. Last evaluated: 2026-08-01. Review status: criteria provided, single submitter. Criteria: CeGaT Center For Human Genetics Tuebingen Variant Classification Criteria Version 2. Collection method: clinical testing. Allele origin: germline. Affected: yes. Observed: 1 variant allele.
Comment: TTN: BP4, BP7

Labcorp Genetics (formerly Invitae), Labcorp
Classification: Likely benign for Dilated cardiomyopathy 1G; Autosomal recessive limb-girdle muscular dystrophy type 2J. Last evaluated: 2026-01-22. Review status: criteria provided, single submitter. Criteria: Invitae Variant Classification Sherloc (09022015). Collection method: clinical testing. Allele origin: germline.

Women's Health and Genetics/Laboratory Corporation of America, LabCorp
Classification: Likely benign. Last evaluated: 2024-03-03. Review status: criteria provided, single submitter. Criteria: LabCorp Variant Classification Summary - May 2015. Collection method: clinical testing. Allele origin: germline.

Ambry Genetics
Classification: Likely benign for Cardiovascular phenotype. Last evaluated: 2022-01-10. Review status: criteria provided, single submitter. Criteria: Ambry Variant Classification Scheme 2023. Collection method: clinical testing. Allele origin: germline.

Revvity Omics, Revvity
Classification: Uncertain significance. Last evaluated: 2020-01-29. Review status: criteria provided, single submitter. Criteria: ACMG Guidelines, 2015. Collection method: clinical testing. Allele origin: germline.

GeneDx
Classification: Likely benign. Last evaluated: 2019-09-13. Review status: criteria provided, single submitter. Criteria: GeneDx Variant Classification Process June 2021. Collection method: clinical testing. Allele origin: germline. Affected: yes.

Eurofins Ntd Llc (ga)
Classification: Uncertain significance. Last evaluated: 2017-08-22. Review status: criteria provided, single submitter. Criteria: EGL Classification Definitions 2015. Collection method: clinical testing. Allele origin: germline. Observed: 1 variant allele, 1 heterozygote.